The following is an entry in ClinVar:

NM_003722.5(TP63):c.1695C>G (p.Phe565Leu)

Gene: TP63 (tumor protein p63; plus strand). Cytogenetic location: 3q28.
Variant type: single nucleotide variant.
Coding change: c.1695C>G on transcript NM_003722.5 (MANE Select); coding-DNA position 1695, C replaced by G.
Protein change: p.Phe565Leu; replaces phenylalanine 565 with leucine.
Molecular consequence: missense variant. On other transcripts: intron variant (6).
Genome position (GRCh38, 1-based): chr3:189,890,831, C>G. VCF-style: chr3-189890831-C-G. GRCh37 (hg19) VCF-style: chr3-189608620-C-G.
Other names: c.1413C>G, p.Phe471Leu (NM_001114980.2); c.1158C>G, p.Phe386Leu (NM_001329146.2); c.1683C>G, p.Phe561Leu (NM_001329148.2); c.1689C>G, p.Phe563Leu (NM_001329964.2); c.1652+1347C>G (NM_001114978.2); c.1508-3375C>G (NM_001329144.2); c.1370+1347C>G (NM_001114981.2); c.1226-3375C>G (NM_001329145.2); and 2 more; short protein forms F561L, F563L, F386L, F471L, F565L.
Identifiers: ClinVar variation 1475057 (VCV001475057.7), dbSNP rs2108864831, ClinGen allele CA355759043.

ClinVar aggregate classification (germline): Likely pathogenic (1 of 4 stars; one submission).

Conditions:
TP63-Related Spectrum Disorders.

Submission:

Labcorp Genetics (formerly Invitae), Labcorp
Classification: Likely pathogenic. Last evaluated: 2021-05-03. Review status: criteria provided, single submitter. Criteria: Invitae Variant Classification Sherloc (09022015). Collection method: clinical testing. Allele origin: germline.
Comment: This variant is not present in population databases (ExAC no frequency). This missense change has been observed in individual(s) with ankyloblepharon-ectodermal dysplasia-cleft lip/palate syndrome (PMID: 19676060, Invitae). This variant is also known as p.Phe526Leu. Experimental studies have shown that this variant affects TP63 protein function (PMID: 22252508). This variant disrupts the p.Phe565 amino acid residue in TP63. Other variant(s) that disrupt this residue have been determined to be pathogenic (Invitae). This suggests that this residue is clinically significant, and that variants that disrupt this residue are likely to be disease-causing. In summary, the currently available evidence indicates that the variant is pathogenic, but additional data are needed to prove that conclusively. Therefore, this variant has been classified as Likely Pathogenic. This sequence change replaces phenylalanine with leucine at codon 565 of the TP63 protein (p.Phe565Leu). The phenylalanine residue is highly conserved and there is a small physicochemical difference between phenylalanine and leucine.

Literature cited by the submitters: PubMed 19676060; PubMed 22252508.